The following is an entry in ClinVar:

NM_022168.4(IFIH1):c.2622G>C (p.Leu874Phe)

Gene: IFIH1 (interferon induced with helicase C domain 1; minus strand). Cytogenetic location: 2q24.2.
Variant type: single nucleotide variant.
Coding change: c.2622G>C on transcript NM_022168.4 (MANE Select); coding-DNA position 2622, G replaced by C.
Protein change: p.Leu874Phe; replaces leucine 874 with phenylalanine.
Molecular consequence: missense variant.
Genome position (GRCh38, 1-based): chr2:162,268,272, C>G on the plus strand (G>C on the coding strand, the complement: IFIH1 is on the minus strand). VCF-style: chr2-162268272-C-G. GRCh37 (hg19) VCF-style: chr2-163124782-C-G.
Other names: short protein forms L874F.
Identifiers: ClinVar variation 1410263 (VCV001410263.8), dbSNP rs760588876, ClinGen allele CA1934109.

ClinVar aggregate classification (germline): Uncertain significance (1 of 4 stars; one submission).

Conditions:
Singleton-Merten syndrome 1 (SGMRT1). Also called: Widened medullary cavities of bone, aortic calcification, abnormal dentition, and muscular weakness; Syndrome of widened medullary cavities of the metacarpals and phalanges, aortic calcification and abnormal dentition. Identifiers: Orphanet 85191, MedGen C4225427, MONDO:0024535, OMIM 182250.
Aicardi-Goutieres syndrome 7 (AGS7). Identifiers: Orphanet 51, MedGen C3888244, MONDO:0014367, OMIM 615846.

Allele frequency attached by ClinVar (database versions not stated): gnomAD exomes 0.00001 and below 0.00001; gnomAD 0.00003 and 0.00004; ExAC 0.00002; TOPMed 0.00006.
gnomAD v4.1: 11 of 1,599,554 alleles (0.00069%); highest among the groups gnomAD compares: African/African-American, 0.012%; no homozygotes.

Submission:

Labcorp Genetics (formerly Invitae), Labcorp
Classification: Uncertain significance for Aicardi-Goutieres syndrome 7; Singleton-Merten syndrome 1. Last evaluated: 2026-01-19. Review status: criteria provided, single submitter. Criteria: Invitae Variant Classification Sherloc (09022015). Collection method: clinical testing. Allele origin: germline.
Comment: This sequence change replaces leucine, which is neutral and non-polar, with phenylalanine, which is neutral and non-polar, at codon 874 of the IFIH1 protein (p.Leu874Phe). This variant is present in population databases (rs760588876, gnomAD 0.01%). This variant has not been reported in the literature in individuals affected with IFIH1-related conditions. ClinVar contains an entry for this variant (Variation ID: 1410263). An algorithm developed to predict the effect of missense changes on protein structure and function outputs the following: PolyPhen-2: "Benign". The phenylalanine amino acid residue is found in multiple mammalian species, which suggests that this missense change does not adversely affect protein function. In summary, the available evidence is currently insufficient to determine the role of this variant in disease. Therefore, it has been classified as a Variant of Uncertain Significance.